The following is an entry in ClinVar:

ClinVar aggregate classification (germline): Uncertain significance. Review status: criteria provided, multiple submitters, no conflicts (2 of 4 stars). 3 submissions from 3 submitters: Uncertain significance (2). 1 of the submissions does not count toward it. Last evaluated 2019-05-24.

Conditions:
Neuropathy, hereditary sensory and autonomic, type 1A (HSAN1A). Also called: NEUROPATHY, HEREDITARY SENSORY AND AUTONOMIC, TYPE IA; SPTLC1-Related Hereditary Sensory Neuropathy; HSAN IA; HSN IA; NEUROPATHY, HEREDITARY SENSORY RADICULAR, AUTOSOMAL DOMINANT, TYPE 1A. Identifiers: MedGen C5235211, MONDO:0008086, OMIM 162400.
Hereditary sensory and autonomic neuropathy type 1 (HSAN1). Also called: HSAN 1; HSN Type I; Hereditary Sensory Neuropathy Type I. Identifiers: Orphanet 36386, MedGen C0020071, MONDO:0018213.
Charcot-Marie-Tooth disease. Also called: Charcot-Marie-Tooth Neuropathy; Charcot-Marie-Tooth Hereditary Neuropathy. Identifiers: Orphanet 166, MedGen C0007959, MONDO:0015626.

Allele frequency attached by ClinVar (database versions not stated): gnomAD 0.00001; gnomAD exomes 0.00001; TOPMed 0.00001.
gnomAD v4.1: 40 of 1,613,406 alleles (0.0025%); highest among the groups gnomAD compares: Non-Finnish European, 0.0031%; no homozygotes.

Submissions (3):

Labcorp Genetics (formerly Invitae), Labcorp
Classification: Uncertain significance for Hereditary sensory and autonomic neuropathy type 1. Last evaluated: 2019-05-24. Review status: criteria provided, single submitter. Criteria: Invitae Variant Classification Sherloc (09022015). Collection method: clinical testing. Allele origin: germline.
Comment: The current clinical and genetic evidence is not sufficient to establish whether loss-of-function variants in SPTLC1 cause disease. This variant has not been reported in the literature in individuals with SPTLC1-related disease. This variant is not present in population databases (ExAC no frequency). In summary, the available evidence is currently insufficient to determine the role of this variant in disease. Therefore, it has been classified as a Variant of Uncertain Significance. This sequence change creates a premature translational stop signal (p.Arg329*) in the SPTLC1 gene. It is expected to result in an absent or disrupted protein product.

Molecular Genetics Laboratory, London Health Sciences Centre
Classification: Uncertain significance for Charcot-Marie-Tooth disease. Review status: criteria provided, single submitter. Criteria: ACMG Guidelines, 2015. Collection method: clinical testing. Allele origin: germline. Affected: yes.

Genomics England Pilot Project, Genomics England
Classification: Likely pathogenic for Neuropathy, hereditary sensory and autonomic, type 1A. Review status: no assertion criteria provided. Criteria: ACGS Guidelines, 2016. Collection method: clinical testing. Allele origin: germline. Affected: yes. Not counted in ClinVar's aggregate classification.

NM_006415.4(SPTLC1):c.985C>T (p.Arg329Ter)

Gene: SPTLC1 (serine palmitoyltransferase long chain base subunit 1; minus strand). Cytogenetic location: 9q22.31.
Variant type: single nucleotide variant.
Coding change: c.985C>T on transcript NM_006415.4 (MANE Select); coding-DNA position 985, C replaced by T.
Protein change: p.Arg329Ter; replaces arginine 329 with a stop codon.
Molecular consequence: nonsense.
Genome position (GRCh38, 1-based): chr9:92,047,268, G>A on the plus strand (C>T on the coding strand, the complement: SPTLC1 is on the minus strand). VCF-style: chr9-92047268-G-A. GRCh37 (hg19) VCF-style: chr9-94809550-G-A.
Other names: c.985C>T, p.Arg329Ter (NM_001281303.2); c.619C>T, p.Arg207Ter (NM_001368272.1); c.520C>T, p.Arg174Ter (NM_001368273.1); short protein forms R329*, R174*, R207*.
Identifiers: ClinVar variation 526711 (VCV000526711.11), dbSNP rs1215612827, ClinGen allele CA373792611.